The following is an entry in ClinVar:

NM_002519.3(NPAT):c.4225T>G (p.Ser1409Ala)

Gene: NPAT (nuclear protein, coactivator of histone transcription; minus strand). Cytogenetic location: 11q22.3.
Variant type: single nucleotide variant.
Coding change: c.4225T>G on transcript NM_002519.3 (MANE Select); coding-DNA position 4225, T replaced by G.
Protein change: p.Ser1409Ala; replaces serine 1409 with alanine.
Molecular consequence: missense variant.
Genome position (GRCh38, 1-based): chr11:108,159,001, A>C on the plus strand (T>G on the coding strand, the complement: NPAT is on the minus strand). VCF-style: chr11-108159001-A-C. GRCh37 (hg19) VCF-style: chr11-108029728-A-C.
Other names: c.4246T>G, p.Ser1416Ala (NM_001321307.1); short protein forms S1409A, S1416A.
Identifiers: ClinVar variation 2453815 (VCV002453815.2), dbSNP rs2496688746, ClinGen allele CA382509082.
Genomic context (GRCh38, chr11:108,159,001, plus strand): 5'-TTTACTCATCATAATGCAATGATAACAAAAATTTGTCTACATCCATTCCTGCTGGAAATG[A>C]ACTGGGAAGCTTCTTTTTCTGTTGAAAAAGAGAAAGAAAAAATAAACTCAAAACAAGGCC-3'
Protein context (NP_002510.2, residues 1399-1419): KKIKKKKLPS[Ser1409Ala]FPAGMDVDKF

ClinVar aggregate classification (germline): Uncertain significance (1 of 4 stars; one submission).

gnomAD v4.1: 2 of 1,607,200 alleles (0.00012%); highest among the groups gnomAD compares: South Asian, 0.0022%; no homozygotes.

Submission:

Ambry Genetics
Classification: Uncertain significance. Last evaluated: 2023-03-12. Review status: criteria provided, single submitter. Criteria: Ambry Variant Classification Scheme 2023. Collection method: clinical testing. Allele origin: germline.
Comment: The p.S1409A variant (also known as c.4225T>G), located in coding exon 18 of the NPAT gene, results from a T to G substitution at nucleotide position 4225. The serine at codon 1409 is replaced by alanine, an amino acid with similar properties. This amino acid position is conserved. In addition, this alteration is predicted to be tolerated by in silico analysis. Since supporting evidence is limited at this time, the clinical significance of this alteration remains unclear.